The following is an entry in ClinVar:

NM_004699.4(FAM50A):c.611G>A (p.Ser204Asn)

Gene: FAM50A (family with sequence similarity 50 member A; plus strand). Cytogenetic location: Xq28.
Variant type: single nucleotide variant.
Coding change: c.611G>A on transcript NM_004699.4 (MANE Select); coding-DNA position 611, G replaced by A.
Protein change: p.Ser204Asn; replaces serine 204 with asparagine.
Molecular consequence: missense variant.
Genome position (GRCh38, 1-based): chrX:154,448,917, G>A. VCF-style: chrX-154448917-G-A. GRCh37 (hg19) VCF-style: chrX-153677265-G-A.
Other names: short protein forms S204N.
Identifiers: ClinVar variation 4530733 (VCV004530733.1).

ClinVar aggregate classification (germline): Uncertain significance (1 of 4 stars; one submission).

Submission:

GeneDx
Classification: Uncertain significance. Last evaluated: 2025-05-22. Review status: criteria provided, single submitter. Criteria: GeneDx Variant Classification Process June 2021. Collection method: clinical testing. Allele origin: germline. Affected: yes.
Comment: Not observed at significant frequency in large population cohorts (gnomAD); In silico analysis supports that this missense variant has a deleterious effect on protein structure/function; Has not been previously published as pathogenic or benign to our knowledge